The following is an entry in ClinVar:

NM_014625.4(NPHS2):c.685C>A (p.Arg229=)

Gene: NPHS2 (NPHS2 stomatin family member, podocin; minus strand). Cytogenetic location: 1q25.2.
Variant type: single nucleotide variant.
Coding change: c.685C>A on transcript NM_014625.4 (MANE Select); coding-DNA position 685, C replaced by A.
Protein change: p.Arg229=; no amino-acid change (arginine 229 retained).
Molecular consequence: synonymous variant. On other transcripts: intron variant (1).
Genome position (GRCh38, 1-based): chr1:179,557,080, G>T on the plus strand (C>A on the coding strand, the complement: NPHS2 is on the minus strand). VCF-style: chr1-179557080-G-T. GRCh37 (hg19) VCF-style: chr1-179526215-G-T.
Other names: p.Arg229=; c.535-2549C>A (NM_001297575.2).
Identifiers: ClinVar variation 1160562 (VCV001160562.9), dbSNP rs1057516414, ClinGen allele CA422025734.

ClinVar aggregate classification (germline): Conflicting classifications of pathogenicity. Review status: criteria provided, conflicting classifications (1 of 4 stars). 3 submissions from 3 submitters: Uncertain significance (1); Likely benign (2). Last evaluated 2025-10-14.

Conditions:
Steroid-resistant nephrotic syndrome. Identifiers: MedGen C0403397, MONDO:0044765, HP:0012588.

Allele frequency attached by ClinVar (database versions not stated): gnomAD exomes 0.00001.
gnomAD v4.1: 2 of 1,614,076 alleles (0.00012%); highest among the groups gnomAD compares: East Asian, 0.0045%; no homozygotes.

Submissions (3):

Mayo Clinic Laboratories, Mayo Clinic
Classification: Likely benign. Last evaluated: 2025-10-14. Review status: criteria provided, single submitter. Criteria: ACMG Guidelines, 2015. Collection method: clinical testing. Allele origin: germline. Observed: 1 variant allele.
Comment: BP4, BP7

Molecular Genetics, Royal Melbourne Hospital
Classification: Uncertain significance for Steroid-resistant nephrotic syndrome. Last evaluated: 2023-08-01. Review status: criteria provided, single submitter. Criteria: ACMG Guidelines, 2015. Collection method: clinical testing. Allele origin: germline. Inheritance: Autosomal recessive inheritance. Affected: yes.
Comment: This sequence change is a synonymous (silent) variant in exon 5 of NPHS2 that has an uninformative predicted impact on splicing (SpliceAI). The highest population minor allele frequency in the population database gnomAD v2.1 is 0.01% (2/18,380 alleles) in the East Asian population, consistent with recessive disease. To our knowledge, this variant has not been previously reported in the relevant scientific literature. Based on the classification scheme RMH Modified ACMG/AMP Guidelines v1.6.1, this variant is classified as a VARIANT OF UNCERTAIN SIGNIFICANCE. Following criteria are met: PM2_Supporting, PM3_Supporting.

Labcorp Genetics (formerly Invitae), Labcorp
Classification: Likely benign. Last evaluated: 2022-05-18. Review status: criteria provided, single submitter. Criteria: Invitae Variant Classification Sherloc (09022015). Collection method: clinical testing. Allele origin: germline.